The following is an entry in ClinVar:

ClinVar aggregate classification (germline): Pathogenic (1 of 4 stars; one submission).

Submission:

Labcorp Genetics (formerly Invitae), Labcorp
Classification: Pathogenic. Last evaluated: 2022-04-21. Review status: criteria provided, single submitter. Criteria: Invitae Variant Classification Sherloc (09022015). Collection method: clinical testing. Allele origin: germline.
Comment: This variant is not present in population databases (gnomAD no frequency). This variant has not been reported in the literature in individuals affected with SEPSECS-related conditions. For these reasons, this variant has been classified as Pathogenic. This sequence change creates a premature translational stop signal (p.Cys216*) in the SEPSECS gene. It is expected to result in an absent or disrupted protein product. Loss-of-function variants in SEPSECS are known to be pathogenic (PMID: 25558065, 25590979, 26115735).

Literature cited by the submitters: PubMed 25558065; PubMed 25590979; PubMed 26115735.

NM_016955.4(SEPSECS):c.648C>A (p.Cys216Ter)

Gene: SEPSECS (Sep (O-phosphoserine) tRNA:Sec (selenocysteine) tRNA synthase; minus strand). Cytogenetic location: 4p15.2.
Variant type: single nucleotide variant.
Coding change: c.648C>A on transcript NM_016955.4 (MANE Select); coding-DNA position 648, C replaced by A.
Protein change: p.Cys216Ter; replaces cysteine 216 with a stop codon.
Molecular consequence: nonsense.
Genome position (GRCh38, 1-based): chr4:25,155,051, G>T on the plus strand (C>A on the coding strand, the complement: SEPSECS is on the minus strand). VCF-style: chr4-25155051-G-T. GRCh37 (hg19) VCF-style: chr4-25156673-G-T.
Other names: c.903C>A, p.Cys301Ter (NM_001410714.1); c.648C>A, p.Cys216Ter (NM_153825.2); short protein forms C216*, C301*.
Identifiers: ClinVar variation 2128802 (VCV002128802.4), dbSNP rs2109032673, ClinGen allele CA356541625.